The following is an entry in ClinVar:

ClinVar aggregate classification (germline): Likely benign (1 of 4 stars; one submission).

Conditions:
Arrhythmogenic cardiomyopathy with wooly hair and keratoderma. Also called: PALMOPLANTAR KERATODERMA WITH LEFT VENTRICULAR CARDIOMYOPATHY AND WOOLLY HAIR; Carvajal syndrome; Dilated cardiomyopathy with woolly hair and keratoderma; Arrhythmogenic cardiomyopathy with woolly hair and keratoderma. Identifiers: Orphanet 65282, MedGen C1854063, MONDO:0011581, OMIM 605676.

Submission:

All of Us Research Program, National Institutes of Health
Classification: Likely benign for Arrhythmogenic cardiomyopathy with wooly hair and keratoderma. Last evaluated: 2023-07-10. Review status: criteria provided, single submitter. Criteria: ACMG Guidelines, 2015. Collection method: clinical testing. Allele origin: germline. Inheritance: Autosomal dominant inheritance. Observed: 1 variant allele, 1 heterozygote.
Comment: This study involves interpretation of variants in research participants for the purpose of population health screening. Participant phenotype was not available at the time of variant classification. Additional details can be found in publication PMID: 35346344, PMCID: PMC8962531

NM_004415.4(DSP):c.1575-15C>T

Gene: DSP (desmoplakin; plus strand). Cytogenetic location: 6p24.3.
Variant type: single nucleotide variant.
Coding change: c.1575-15C>T on transcript NM_004415.4 (MANE Select); 15 bases into the intron before coding-DNA position 1575, C replaced by T.
Molecular consequence: intron variant.
Genome position (GRCh38, 1-based): chr6:7,570,422, C>T. VCF-style: chr6-7570422-C-T. GRCh37 (hg19) VCF-style: chr6-7570655-C-T.
Other names: c.1575-15C>T (NM_001319034.2, NM_001008844.3).
Identifiers: ClinVar variation 3072326 (VCV003072326.1), dbSNP rs369184165, ClinGen allele CA2825001479.